The following is an entry in ClinVar:

NM_000551.4(VHL):c.278G>A (p.Gly93Asp)

Gene: VHL (von Hippel-Lindau tumor suppressor; plus strand). Cytogenetic location: 3p25.3.
Variant type: single nucleotide variant.
Coding change: c.278G>A on transcript NM_000551.4 (MANE Select); coding-DNA position 278, G replaced by A.
Protein change: p.Gly93Asp; replaces glycine 93 with aspartic acid.
Molecular consequence: missense variant.
Genome position (GRCh38, 1-based): chr3:10,142,125, G>A. VCF-style: chr3-10142125-G-A. GRCh37 (hg19) VCF-style: chr3-10183809-G-A.
Other names: c.278G>A, p.Gly93Asp (NM_001354723.2, NM_198156.3); short protein forms G93D.
Identifiers: ClinVar variation 496054 (VCV000496054.9), dbSNP rs1553619440, ClinGen allele CA351750781.

ClinVar aggregate classification (germline): Pathogenic/Likely pathogenic. Review status: criteria provided, multiple submitters, no conflicts (2 of 4 stars). 5 submissions from 5 submitters: Pathogenic (4); Likely pathogenic (1). Last evaluated 2024-08-05.

Conditions:
Chuvash polycythemia. Also called: POLYCYTHEMIA, VHL-DEPENDENT. Identifiers: Orphanet 238557, MedGen C1837915, MONDO:0009892, OMIM 263400.
Von Hippel-Lindau syndrome (VHLS). Also called: VHL syndrome; Von Hippel-Lindau; von Hippel–Lindau syndrome. Identifiers: Orphanet 892, MedGen C0019562, MONDO:0008667, OMIM 193300. Disease mechanism: loss of function.

Submissions (5):

Athena Diagnostics
Classification: Pathogenic. Last evaluated: 2024-08-05. Review status: criteria provided, single submitter. Criteria: Athena Diagnostics Criteria. Collection method: clinical testing. Allele origin: unknown.
Comment: This variant has not been reported in large, multi-ethnic general populations. This variant has been identified in multiple unrelated individuals with VHLS. Multiple missense variants at this codon, including at least one considered to be pathogenic or likely pathogenic, have been reported in individuals with VHLS and/or pheochromocytoma suggesting this variant may also cause disease. This variant is also referred to as c.491G>A; (p.Gly164Asp) in published literature. Polyphen and MutationTaster predict this amino acid change may be damaging to the protein.

Labcorp Genetics (formerly Invitae), Labcorp
Classification: Pathogenic for Von Hippel-Lindau syndrome; Chuvash polycythemia. Last evaluated: 2024-07-19. Review status: criteria provided, single submitter. Criteria: Invitae Variant Classification Sherloc (09022015). Collection method: clinical testing. Allele origin: germline.
Comment: This sequence change replaces glycine, which is neutral and non-polar, with aspartic acid, which is acidic and polar, at codon 93 of the VHL protein (p.Gly93Asp). This variant is not present in population databases (gnomAD no frequency). This missense change has been observed in individuals with von Hippel-Lindau syndrome (PMID: 7728151, 16314641; Invitae). This variant is also known as c.491G>A (p.Gly164Asp). ClinVar contains an entry for this variant (Variation ID: 496054). Advanced modeling of protein sequence and biophysical properties (such as structural, functional, and spatial information, amino acid conservation, physicochemical variation, residue mobility, and thermodynamic stability) performed at Invitae indicates that this missense variant is expected to disrupt VHL protein function with a positive predictive value of 95%. Experimental studies are conflicting or provide insufficient evidence to determine the effect of this variant on VHL function (PMID: 14556007, 14973063). This variant disrupts the p.Gly93 amino acid residue in VHL. Other variant(s) that disrupt this residue have been observed in individuals with VHL-related conditions (PMID: 12000816; Invitae), which suggests that this may be a clinically significant amino acid residue. For these reasons, this variant has been classified as Pathogenic.

Quest Diagnostics Nichols Institute San Juan Capistrano
Classification: Likely pathogenic. Last evaluated: 2023-11-09. Review status: criteria provided, single submitter. Criteria: Quest Diagnostics criteria. Collection method: clinical testing. Allele origin: unknown.
Comment: The VHL c.278G>A (p.Gly93Asp) variant has been reported in the published literature in several individuals and families affected with von Hippel-Lindau (VHL) syndrome (PMIDs: 7728151 (1995), 10761708 (2000), 11114638 (2000), 22799452 (2012), 25078357 (2014), 28650583 (2017), 28721348 (2017)). Analysis of in vitro research on the effect of this variant on VHL function yielded inconclusive results (PMIDs: 14556007 (2003), 14973063 (2004)), further research is needed. This variant has not been reported in large, multi-ethnic general populations (Genome Aggregation Database). Analysis of this variant using bioinformatics tools for the prediction of the effect of amino acid changes on protein structure and function yielded predictions that this variant is damaging. Based on the available information, this variant is classified as likely pathogenic.

Genomic Diagnostic Laboratory, Division of Genomic Diagnostics, Children's Hospital of Philadelphia
Classification: Pathogenic for von Hippel-Lindau syndrome. Last evaluated: 2018-08-01. Review status: criteria provided, single submitter. Criteria: DGD Variant Analysis Guidelines. Collection method: clinical testing. Allele origin: germline. Affected: yes. Observed: 2 variant alleles.

Women's Health and Genetics/Laboratory Corporation of America, LabCorp
Classification: Pathogenic for Von Hippel-Lindau syndrome. Last evaluated: 2016-02-04. Review status: criteria provided, single submitter. Criteria: LabCorp Variant Classification Summary - May 2015. Collection method: clinical testing. Allele origin: germline.
Comment: Variant summary: c.278G>A affects a conserved nucleotide, resulting in amino acid change from Gly to Asp. 4/4 in-silico tools predict this variant to be damaging. This variant was not found in 101892 control chromosomes. This variant has been reported in multiple VHL pts and classified as pathgenic by literatures. Variants G93R, G93C, and G93S are all listed as disease mutation in HGMD and have been reported in multiple literatures, suggesting the codon 93 is a hypermutable amino acid and a hotspot for mutations. Taken together, this variant was classified as a Pathogenic.

Literature cited by the submitters: PubMed 16314641 (cited by 4 submitters); PubMed 28650583 (cited by Athena Diagnostics and Quest Diagnostics Nichols Institute San Juan Capistrano); PubMed 11114638 (cited by 3 submitters); PubMed 29510814 (cited by Athena Diagnostics and Quest Diagnostics Nichols Institute San Juan Capistrano); PubMed 21715564 (cited by Athena Diagnostics and Quest Diagnostics Nichols Institute San Juan Capistrano); PubMed 14556007 (cited by 3 submitters); PubMed 28721348 (cited by Athena Diagnostics and Quest Diagnostics Nichols Institute San Juan Capistrano); PubMed 25078357 (cited by Athena Diagnostics and Quest Diagnostics Nichols Institute San Juan Capistrano); PubMed 7728151 (cited by 3 submitters); PubMed 14973063 (cited by 3 submitters); PubMed 22799452 (cited by Athena Diagnostics and Quest Diagnostics Nichols Institute San Juan Capistrano); PubMed 10761708 (cited by 3 submitters); PubMed 16142346 (cited by 3 submitters); PubMed 27966541 (cited by Athena Diagnostics and Quest Diagnostics Nichols Institute San Juan Capistrano); PubMed 12000816 (cited by Labcorp Genetics (formerly Invitae), Labcorp); PubMed 17688370 (cited by Women's Health and Genetics/Laboratory Corporation of America, LabCorp); PubMed 8956040 (cited by Women's Health and Genetics/Laboratory Corporation of America, LabCorp); PubMed 17922902 (cited by Women's Health and Genetics/Laboratory Corporation of America, LabCorp); PubMed 19270817 (cited by Women's Health and Genetics/Laboratory Corporation of America, LabCorp); PubMed 8863170 (cited by Women's Health and Genetics/Laboratory Corporation of America, LabCorp).